The following is an entry in ClinVar:

NM_005534.4(IFNGR2):c.718G>C (p.Asp240His)

Gene: IFNGR2 (interferon gamma receptor 2; plus strand). Cytogenetic location: 21q22.11.
Variant type: single nucleotide variant.
Coding change: c.718G>C on transcript NM_005534.4 (MANE Select); coding-DNA position 718, G replaced by C.
Protein change: p.Asp240His; replaces aspartic acid 240 with histidine.
Molecular consequence: missense variant.
Genome position (GRCh38, 1-based): chr21:33,432,333, G>C. VCF-style: chr21-33432333-G-C. GRCh37 (hg19) VCF-style: chr21-34804640-G-C.
Other names: c.775G>C, p.Asp259His (NM_001329128.2); c.718G>C (NM_005534.3); short protein forms D240H, D259H.
Identifiers: ClinVar variation 1052150 (VCV001052150.10), dbSNP rs369753667, ClinGen allele CA10006998.

ClinVar aggregate classification (germline): Uncertain significance. Review status: criteria provided, multiple submitters, no conflicts (2 of 4 stars). 2 submissions from 2 submitters: Uncertain significance (2). Last evaluated 2025-11-11.

Conditions:
Inborn genetic diseases. Identifiers: MedGen C0950123, MeSH D030342.
Immunodeficiency 28 (IMD28). Also called: IFNGR2 DEFICIENCY. Identifiers: Orphanet 319547, Orphanet 319574, MedGen C4013947, MONDO:0013953, OMIM 614889.

Allele frequency attached by ClinVar (database versions not stated): gnomAD exomes 0.00001; ExAC 0.00002; ESP Exome Variant Server 0.00008.

Submissions (2):

Ambry Genetics
Classification: Uncertain significance for Inborn genetic diseases. Last evaluated: 2025-11-11. Review status: criteria provided, single submitter. Criteria: Ambry Variant Classification Scheme 2023. Collection method: clinical testing. Allele origin: germline.

Labcorp Genetics (formerly Invitae), Labcorp
Classification: Uncertain significance for Immunodeficiency 28. Last evaluated: 2021-02-25. Review status: criteria provided, single submitter. Criteria: Invitae Variant Classification Sherloc (09022015). Collection method: clinical testing. Allele origin: germline.
Comment: In summary, the available evidence is currently insufficient to determine the role of this variant in disease. Therefore, it has been classified as a Variant of Uncertain Significance. Algorithms developed to predict the effect of missense changes on protein structure and function are either unavailable or do not agree on the potential impact of this missense change (SIFT: "Tolerated"; PolyPhen-2: "Probably Damaging"; Align-GVGD: "Class C0"). This variant has not been reported in the literature in individuals with IFNGR2-related conditions. This variant is present in population databases (rs369753667, ExAC 0.01%). This sequence change replaces aspartic acid with histidine at codon 240 of the IFNGR2 protein (p.Asp240His). The aspartic acid residue is moderately conserved and there is a moderate physicochemical difference between aspartic acid and histidine.